The following is an entry in ClinVar:

NM_024570.4(RNASEH2B):c.542A>G (p.Asn181Ser)

Gene: RNASEH2B (ribonuclease H2 subunit B; plus strand). Cytogenetic location: 13q14.3.
Variant type: single nucleotide variant.
Coding change: c.542A>G on transcript NM_024570.4 (MANE Select); coding-DNA position 542, A replaced by G.
Protein change: p.Asn181Ser; replaces asparagine 181 with serine.
Molecular consequence: missense variant.
Genome position (GRCh38, 1-based): chr13:50,945,458, A>G. VCF-style: chr13-50945458-A-G. GRCh37 (hg19) VCF-style: chr13-51519594-A-G.
Other names: c.542A>G, p.Asn181Ser (NM_001142279.2); short protein forms N181S.
Identifiers: ClinVar variation 1421921 (VCV001421921.3), dbSNP rs1951888592, ClinGen allele CA388259605.
Genomic context (GRCh38, chr13:50,945,458, plus strand): 5'-CTGCCTTTCCCCTCTTGGTTGCTTCATAGGTTAATCAAACTGTGGCAGCATTAAAAACCA[A>G]TAATGTGAATGTCAGTTCCCGGGTACAGTCAACTGCATTTTTCTCTGGTGACCAAGCTTC-3'
Protein context (NP_078846.2, residues 171-191): VNQTVAALKT[Asn181Ser]NVNVSSRVQS

ClinVar aggregate classification (germline): Uncertain significance (1 of 4 stars; one submission).

Conditions:
Aicardi-Goutieres syndrome 2. Identifiers: Orphanet 51, MedGen C3489724, MONDO:0012429, OMIM 610181.

Allele frequency attached by ClinVar (database versions not stated): gnomAD exomes below 0.00001; TOPMed 0.00001.
gnomAD v4.1: 2 of 1,613,728 alleles (0.00012%); highest among the groups gnomAD compares: African/African-American, 0.0013%; no homozygotes.

Submission:

Labcorp Genetics (formerly Invitae), Labcorp
Classification: Uncertain significance for Aicardi-Goutieres syndrome 2. Last evaluated: 2021-11-10. Review status: criteria provided, single submitter. Criteria: Invitae Variant Classification Sherloc (09022015). Collection method: clinical testing. Allele origin: germline.
Comment: This sequence change replaces asparagine, which is neutral and polar, with serine, which is neutral and polar, at codon 181 of the RNASEH2B protein (p.Asn181Ser). This variant is not present in population databases (gnomAD no frequency). This variant has not been reported in the literature in individuals affected with RNASEH2B-related conditions. Algorithms developed to predict the effect of missense changes on protein structure and function output the following: SIFT: "Tolerated"; PolyPhen-2: "Benign"; Align-GVGD: "Class C0". The serine amino acid residue is found in multiple mammalian species, which suggests that this missense change does not adversely affect protein function. In summary, the available evidence is currently insufficient to determine the role of this variant in disease. Therefore, it has been classified as a Variant of Uncertain Significance.